The following is an entry in ClinVar:

ClinVar aggregate classification (germline): Uncertain significance (1 of 4 stars; one submission).

Conditions:
Inborn genetic diseases. Identifiers: MedGen C0950123, MeSH D030342.

gnomAD v4.1: 1 of 1,613,952 alleles (0.000062%); highest among the groups gnomAD compares: African/African-American, 0.0013%; no homozygotes.

Submission:

Ambry Genetics
Classification: Uncertain significance for Inborn genetic diseases. Last evaluated: 2024-12-07. Review status: criteria provided, single submitter. Criteria: Ambry Variant Classification Scheme 2023. Collection method: clinical testing. Allele origin: germline.
Comment: The p.Q145E variant (also known as c.433C>G), located in coding exon 5 of the BUB1B gene, results from a C to G substitution at nucleotide position 433. The glutamine at codon 145 is replaced by glutamic acid, an amino acid with highly similar properties. This amino acid position is conserved. In addition, the in silico prediction for this alteration is inconclusive. Based on the available evidence, the clinical significance of this variant remains unclear.

NM_001211.6(BUB1B):c.433C>G (p.Gln145Glu)

Gene: BUB1B (BUB1 mitotic checkpoint serine/threonine kinase B; plus strand). Cytogenetic location: 15q15.1.
Variant type: single nucleotide variant.
Coding change: c.433C>G on transcript NM_001211.6 (MANE Select); coding-DNA position 433, C replaced by G.
Protein change: p.Gln145Glu; replaces glutamine 145 with glutamic acid.
Molecular consequence: missense variant.
Genome position (GRCh38, 1-based): chr15:40,176,525, C>G. VCF-style: chr15-40176525-C-G. GRCh37 (hg19) VCF-style: chr15-40468726-C-G.
Other names: short protein forms Q145E.
Identifiers: ClinVar variation 3483253 (VCV003483253.1).